The following is an entry in ClinVar:

NM_000478.6(ALPL):c.170_174del (p.Phe57fs)

Gene: ALPL (alkaline phosphatase, biomineralization associated; plus strand). Cytogenetic location: 1p36.12.
Variant type: Deletion.
Coding change: c.170_174del on transcript NM_000478.6 (MANE Select); coding-DNA positions 170 to 174, 5 bases deleted (TCCTG; older notation c.170_174delTCCTG).
Protein change: p.Phe57fs; shifts the reading frame from phenylalanine 57.
Molecular consequence: frameshift variant.
Genome position (GRCh38, 1-based): chr1:21,560,734-21,560,738, TCCTG deleted. VCF-style (leftmost placement, unchanged base first): chr1-21560733-TTCCTG-T. GRCh37 (hg19) VCF-style: chr1-21887226-TTCCTG-T.
Other names: c.5_9del, p.Phe2fs (NM_001127501.4); c.55_59del, p.Ser19fs (NM_001177520.3); c.170_174del, p.Phe57fs (NM_001369803.2, NM_001369804.2, NM_001369805.2); short protein forms F2fs, F57fs, S19fs.
Identifiers: ClinVar variation 5014633 (VCV005014633.1).
Genomic context (GRCh38, chr1:21,560,733, plus strand): 5'-CTGAAATATGCCCTGGAGCTTCAGAAGCTCAACACCAACGTGGCTAAGAATGTCATCATG[TTCCTG>T]GGAGATGGTGAGGCCCAGGGGCCTGTGGGAGGGGTGGAACAGGACACCTAGCTAGGAGCC-3'

ClinVar aggregate classification (germline): Pathogenic (1 of 4 stars; one submission).

Conditions:
Hypophosphatasia. Also called: Phosphoethanol-aminuria. Identifiers: Orphanet 436, MedGen C0020630, MeSH D007014, MONDO:0018570.

Submission:

Myriad Genetics, Inc.
Classification: Pathogenic for Hypophosphatasia. Last evaluated: 2025-06-23. Review status: criteria provided, single submitter. Criteria: Myriad Autosomal Dominant, Autosomal Recessive and X-Linked Classification Criteria (2023). Collection method: clinical testing. Allele origin: unknown.
Comment: NM_000478.4(ALPL):c.170_174del5(F57Wfs*51) is expected to be pathogenic in the context of hypophosphatasia. This variant is predicted to lead to an abnormal or absent protein product due to the creation of a premature termination codon in ALPL, a gene where loss-of-function variants are known to be pathogenic. Please note: this variant was assessed in the context of healthy population screening.